The following is an entry in ClinVar:

ClinVar aggregate classification (germline): Uncertain significance (1 of 4 stars; one submission).

Conditions:
Hereditary nonpolyposis colorectal neoplasms. Identifiers: MedGen C0009405, MeSH D003123.

Submission:

Labcorp Genetics (formerly Invitae), Labcorp
Classification: Uncertain significance for Hereditary nonpolyposis colorectal neoplasms. Last evaluated: 2023-03-01. Review status: criteria provided, single submitter. Criteria: Invitae Variant Classification Sherloc (09022015). Collection method: clinical testing. Allele origin: germline.
Comment: This sequence change replaces glutamic acid, which is acidic and polar, with glycine, which is neutral and non-polar, at codon 640 of the MSH6 protein (p.Glu640Gly). This variant is not present in population databases (gnomAD no frequency). This variant has not been reported in the literature in individuals affected with MSH6-related conditions. ClinVar contains an entry for this variant (Variation ID: 948453). Advanced modeling of protein sequence and biophysical properties (such as structural, functional, and spatial information, amino acid conservation, physicochemical variation, residue mobility, and thermodynamic stability) performed at Invitae indicates that this missense variant is not expected to disrupt MSH6 protein function. In summary, the available evidence is currently insufficient to determine the role of this variant in disease. Therefore, it has been classified as a Variant of Uncertain Significance.

NM_000179.3(MSH6):c.1919A>G (p.Glu640Gly)

Gene: MSH6 (mutS homolog 6; plus strand). Cytogenetic location: 2p16.3.
Variant type: single nucleotide variant.
Coding change: c.1919A>G on transcript NM_000179.3 (MANE Select); coding-DNA position 1919, A replaced by G.
Protein change: p.Glu640Gly; replaces glutamic acid 640 with glycine.
Molecular consequence: missense variant.
Genome position (GRCh38, 1-based): chr2:47,799,902, A>G. VCF-style: chr2-47799902-A-G. GRCh37 (hg19) VCF-style: chr2-48027041-A-G.
Other names: c.1529A>G, p.Glu510Gly (NM_001281492.2); c.1013A>G, p.Glu338Gly (NM_001281493.2, NM_001281494.2); short protein forms E510G, E338G, E640G.
Identifiers: ClinVar variation 948453 (VCV000948453.10), dbSNP rs953951846, ClinGen allele CA46709928.